The following is an entry in ClinVar:

ClinVar aggregate classification (germline): Benign. Review status: criteria provided, multiple submitters, no conflicts (2 of 4 stars). 2 submissions from 2 submitters: Benign (2). Last evaluated 2018-06-16.

Allele frequency attached by ClinVar (database versions not stated): gnomAD 0.02870 and 0.03069; TOPMed 0.03224; 1000 Genomes Project 0.03335; 1000 Genomes Project 30x 0.03545.
gnomAD v4.1: 6,213 of 699,300 alleles (0.89%); highest among the groups gnomAD compares: African/African-American, 9.8%; 288 homozygotes.

Submissions (2):

GeneDx
Classification: Benign. Last evaluated: 2018-06-16. Review status: criteria provided, single submitter. Criteria: GeneDx Variant Classification (06012015). Collection method: clinical testing. Allele origin: germline. Affected: yes.
Comment: This variant is considered likely benign or benign based on one or more of the following criteria: it is a conservative change, it occurs at a poorly conserved position in the protein, it is predicted to be benign by multiple in silico algorithms, and/or has population frequency not consistent with disease.

Breakthrough Genomics
Classification: Benign. Review status: criteria provided, single submitter. Criteria: ACMG Guidelines, 2015. Collection method: not provided. Allele origin: germline. Inheritance: Autosomal recessive inheritance. Affected: yes.

NM_005726.6(TSFM):c.231+226G>A

Gene: TSFM (Ts translation elongation factor, mitochondrial; plus strand). Cytogenetic location: 12q14.1.
Variant type: single nucleotide variant.
Coding change: c.231+226G>A on transcript NM_005726.6 (MANE Select); 226 bases into the intron after coding-DNA position 231, G replaced by A.
Molecular consequence: intron variant.
Genome position (GRCh38, 1-based): chr12:57,783,509, G>A. VCF-style: chr12-57783509-G-A. GRCh37 (hg19) VCF-style: chr12-58177292-G-A.
Other names: c.231+226G>A (NM_001172697.2, NM_001172696.2, NM_001172695.2).
Identifiers: ClinVar variation 679463 (VCV000679463.2), dbSNP rs11172336, ClinGen allele CA237828267.